The following is an entry in ClinVar:

ClinVar aggregate classification (germline): Pathogenic (1 of 4 stars; one submission).

Submission:

Labcorp Genetics (formerly Invitae), Labcorp
Classification: Pathogenic. Last evaluated: 2021-05-13. Review status: criteria provided, single submitter. Criteria: Invitae Variant Classification Sherloc (09022015). Collection method: clinical testing. Allele origin: germline.
Comment: This variant is a gross deletion of the genomic region encompassing exon(s) 3 of the HBB gene. The 5' boundary is likely confined to intron 2. The 3' end of this event is unknown as it extends through the termination codon beyond the assayed region for this gene and may encompass additional genes. While this deletion is not anticipated to lead to nonsense mediated decay, it is expected to alter mRNA translation or result in a truncated protein product. A similar copy number variant has been observed in individual(s) with beta thalassemia (PMID: 2903765, 287080, 7162987, 2064964, 27812264). For these reasons, this variant has been classified as Pathogenic.

Literature cited by the submitters: PubMed 2903765; PubMed 287080; PubMed 7162987; PubMed 2064964; PubMed 27812264.

NC_000011.9:g.(?_5145468)_(5247440_?)del

Genes: HBB (hemoglobin subunit beta; minus strand), OR51V1 (olfactory receptor family 51 subfamily V member 1; minus strand), OR52A1 (olfactory receptor family 52 subfamily A member 1; minus strand), OR52A5 (olfactory receptor family 52 subfamily A member 5; minus strand). Cytogenetic location: 11p15.4.
Variant type: Deletion.
Identifiers: ClinVar variation 1455047 (VCV001455047.1).